The following is an entry in ClinVar:

ClinVar aggregate classification (germline): Uncertain significance. Review status: criteria provided, multiple submitters, no conflicts (2 of 4 stars). 2 submissions from 2 submitters: Uncertain significance (2). Last evaluated 2025-10-14.

Conditions:
Neuronopathy, distal hereditary motor, autosomal recessive 5. Also called: Spinal muscular atrophy, distal, autosomal recessive, 5; Young adult-onset distal hereditary motor neuropathy; NEUROPATHY, DISTAL HEREDITARY MOTOR, AUTOSOMAL RECESSIVE 5. Identifiers: Orphanet 314485, Orphanet 443950, MedGen C4749918, MONDO:0013947, OMIM 614881.
Inborn genetic diseases. Identifiers: MedGen C0950123, MeSH D030342.

Allele frequency attached by ClinVar (database versions not stated): gnomAD exomes below 0.00001; gnomAD 0.00001.

Submissions (2):

Ambry Genetics
Classification: Uncertain significance for Inborn genetic diseases. Last evaluated: 2025-10-14. Review status: criteria provided, single submitter. Criteria: Ambry Variant Classification Scheme 2023. Collection method: clinical testing. Allele origin: germline.

Labcorp Genetics (formerly Invitae), Labcorp
Classification: Uncertain significance for Neuronopathy, distal hereditary motor, autosomal recessive 5. Last evaluated: 2024-10-08. Review status: criteria provided, single submitter. Criteria: Invitae Variant Classification Sherloc (09022015). Collection method: clinical testing. Allele origin: germline.
Comment: This sequence change replaces methionine, which is neutral and non-polar, with isoleucine, which is neutral and non-polar, at codon 185 of the DNAJB2 protein (p.Met185Ile). This variant is not present in population databases (gnomAD no frequency). This variant has not been reported in the literature in individuals affected with DNAJB2-related conditions. ClinVar contains an entry for this variant (Variation ID: 655614). Invitae Evidence Modeling of protein sequence and biophysical properties (such as structural, functional, and spatial information, amino acid conservation, physicochemical variation, residue mobility, and thermodynamic stability) indicates that this missense variant is not expected to disrupt DNAJB2 protein function with a negative predictive value of 80%. In summary, the available evidence is currently insufficient to determine the role of this variant in disease. Therefore, it has been classified as a Variant of Uncertain Significance.

NM_006736.6(DNAJB2):c.555G>A (p.Met185Ile)

Gene: DNAJB2 (DnaJ heat shock protein family (Hsp40) member B2; plus strand). Cytogenetic location: 2q35.
Variant type: single nucleotide variant.
Coding change: c.555G>A on transcript NM_006736.6 (MANE Select); coding-DNA position 555, G replaced by A.
Protein change: p.Met185Ile; replaces methionine 185 with isoleucine.
Molecular consequence: missense variant.
Genome position (GRCh38, 1-based): chr2:219,283,425, G>A. VCF-style: chr2-219283425-G-A. GRCh37 (hg19) VCF-style: chr2-220148147-G-A.
Other names: c.555G>A, p.Met185Ile (NM_001039550.2); short protein forms M185I.
Identifiers: ClinVar variation 655614 (VCV000655614.10), dbSNP rs1574901375, ClinGen allele CA350650741.